The following is an entry in ClinVar:

ClinVar aggregate classification (germline): Conflicting classifications of pathogenicity. Review status: criteria provided, conflicting classifications (1 of 4 stars). 3 submissions from 3 submitters: Uncertain significance (2); Likely benign (1). Last evaluated 2025-02-28.

Conditions:
Hereditary cancer-predisposing syndrome. Also called: Hereditary neoplastic syndrome; Tumor predisposition; Hereditary Cancer Syndrome; Neoplastic Syndromes, Hereditary. Identifiers: Orphanet 140162, MedGen C0027672, MeSH D009386, MONDO:0015356.
Hereditary nonpolyposis colorectal neoplasms. Identifiers: MedGen C0009405, MeSH D003123.

Submissions (3):

Ambry Genetics
Classification: Likely benign for Hereditary cancer-predisposing syndrome. Last evaluated: 2025-02-28. Review status: criteria provided, single submitter. Criteria: Ambry Variant Classification Scheme 2023. Collection method: clinical testing. Allele origin: germline.

Labcorp Genetics (formerly Invitae), Labcorp
Classification: Uncertain significance for Hereditary nonpolyposis colorectal neoplasms. Last evaluated: 2025-02-13. Review status: criteria provided, single submitter. Criteria: Invitae Variant Classification Sherloc (09022015). Collection method: clinical testing. Allele origin: germline.
Comment: This sequence change replaces threonine, which is neutral and polar, with isoleucine, which is neutral and non-polar, at codon 499 of the PMS2 protein (p.Thr499Ile). This variant is not present in population databases (gnomAD no frequency). This variant has not been reported in the literature in individuals affected with PMS2-related conditions. ClinVar contains an entry for this variant (Variation ID: 492256). Invitae Evidence Modeling incorporating data from in vitro experimental studies (internal data) indicates that this missense variant is not expected to disrupt PMS2 function with a negative predictive value of 95%. In summary, the available evidence is currently insufficient to determine the role of this variant in disease. Therefore, it has been classified as a Variant of Uncertain Significance.

Color Diagnostics, LLC DBA Color Health
Classification: Uncertain significance for Hereditary cancer-predisposing syndrome. Last evaluated: 2023-12-05. Review status: criteria provided, single submitter. Criteria: ACMG Guidelines, 2015. Collection method: clinical testing. Allele origin: germline.
Comment: This missense variant replaces threonine with isoleucine at codon 499 of the PMS2 protein. Computational prediction suggests that this variant may not impact protein structure and function (internally defined REVEL score threshold <= 0.5, PMID: 27666373). To our knowledge, functional studies have not been reported for this variant. This variant has not been reported in individuals affected with PMS2-related disorders in the literature. This variant has not been identified in the general population by the Genome Aggregation Database (gnomAD). The available evidence is insufficient to determine the role of this variant in disease conclusively. Therefore, this variant is classified as a Variant of Uncertain Significance.

NM_000535.7(PMS2):c.1496C>T (p.Thr499Ile)

Gene: PMS2 (PMS1 homolog 2, mismatch repair system component; minus strand). Cytogenetic location: 7p22.1.
Variant type: single nucleotide variant.
Coding change: c.1496C>T on transcript NM_000535.7 (MANE Select); coding-DNA position 1496, C replaced by T.
Protein change: p.Thr499Ile; replaces threonine 499 with isoleucine.
Molecular consequence: missense variant. On other transcripts: non-coding transcript variant (1).
Genome position (GRCh38, 1-based): chr7:5,987,269, G>A on the plus strand (C>T on the coding strand, the complement: PMS2 is on the minus strand). VCF-style: chr7-5987269-G-A. GRCh37 (hg19) VCF-style: chr7-6026900-G-A.
Other names: c.1091C>T, p.Thr364Ile (NM_001322003.2, NM_001322004.2, NM_001322005.2 and 1 more transcripts); c.1340C>T, p.Thr447Ile (NM_001322006.2); c.1178C>T, p.Thr393Ile (NM_001322007.2, NM_001322008.2); c.935C>T, p.Thr312Ile (NM_001322010.2); c.563C>T, p.Thr188Ile (NM_001322011.2, NM_001322012.2); c.923C>T, p.Thr308Ile (NM_001322013.2); c.1496C>T, p.Thr499Ile (NM_001322014.2); c.1187C>T, p.Thr396Ile (NM_001322015.2); short protein forms T499I, T312I, T364I, T308I, T447I, T393I, T188I, T396I.
Identifiers: ClinVar variation 492256 (VCV000492256.10), dbSNP rs746064480, ClinGen allele CA366741775.
Genomic context (GRCh38, chr7:5,987,269, plus strand): 5'-TACTCGCTGCTGCAGTGACTGCCCGTGTCTGGGATGCTGAACCCCTCAGAATCCACGGAA[G>A]TGCTGCCGTGCCCCGAGTCCTTCTCCACCTCCGCTCTGTCCGTAGGGTCACTGGGTCCGT-3'
Protein context (NP_000526.2, residues 489-509): EVEKDSGHGS[Thr499Ile]SVDSEGFSIP